The following is an entry in ClinVar:

NM_001099274.3(TINF2):c.823A>C (p.Thr275Pro)

Gene: TINF2 (TERF1 interacting nuclear factor 2; minus strand). Cytogenetic location: 14q12.
Variant type: single nucleotide variant.
Coding change: c.823A>C on transcript NM_001099274.3 (MANE Select); coding-DNA position 823, A replaced by C.
Protein change: p.Thr275Pro; replaces threonine 275 with proline.
Molecular consequence: missense variant.
Genome position (GRCh38, 1-based): chr14:24,240,657, T>G on the plus strand (A>C on the coding strand, the complement: TINF2 is on the minus strand). VCF-style: chr14-24240657-T-G. GRCh37 (hg19) VCF-style: chr14-24709863-T-G.
Other names: c.718A>C, p.Thr240Pro (NM_001363668.2); c.823A>C, p.Thr275Pro (NM_012461.3); short protein forms T240P, T275P.
Identifiers: ClinVar variation 1692549 (VCV001692549.1), dbSNP rs2138998293, ClinGen allele CA389225850.

ClinVar aggregate classification (germline): Uncertain significance (1 of 4 stars; one submission).

Conditions:
Dyskeratosis congenita. Identifiers: Orphanet 1775, MedGen C0265965, MONDO:0015780.

Submission:

Sema4
Classification: Uncertain significance for Dyskeratosis congenita. Last evaluated: 2022-02-15. Review status: criteria provided, single submitter. Criteria: Sema4 Curation Guidelines. Collection method: curation. Allele origin: germline.
Comment: The TINF2 c.823A>C (p.T275P) variant has not been reported in the literature to our knowledge. It was not observed in the large and broad cohorts of the Genome Aggregation Database (PMID: 32461654). The variant has not been reported in ClinVar. In silico tools suggest the impact of the variant on protein function is inconclusive, though these predictions have not been confirmed by functional studies. The evidence is insufficient to meet ACMG/AMP criteria for classifying the variant as benign or pathogenic. Thus, the clinical significance of this variant is currently uncertain.